The following is an entry in ClinVar:

NM_006015.6(ARID1A):c.2879-1G>A

Gene: ARID1A (AT-rich interaction domain 1A; plus strand). Cytogenetic location: 1p36.11.
Variant type: single nucleotide variant.
Coding change: c.2879-1G>A on transcript NM_006015.6 (MANE Select); the canonical splice acceptor site of the intron before coding-DNA position 2879, G replaced by A.
Molecular consequence: splice acceptor variant.
Genome position (GRCh38, 1-based): chr1:26,766,456, G>A. VCF-style: chr1-26766456-G-A. GRCh37 (hg19) VCF-style: chr1-27092947-G-A.
Other names: NC_000001.10:g.27092947G>A; c.2879-1G>A (NM_139135.4).
Identifiers: ClinVar variation 812670 (VCV000812670.6), dbSNP rs1570607996, ClinGen allele CA339160926.

ClinVar aggregate classification (germline): Pathogenic (1 of 4 stars; one submission).

Conditions:
Intellectual disability, autosomal dominant 14 (CSS2). Also called: COFFIN-SIRIS SYNDROME 2. Identifiers: Orphanet 1465, MedGen C3553247, MONDO:0013819, OMIM 614607.

Submissions (2):

Institute for Genomic Medicine (IGM) Clinical Laboratory, Nationwide Children's Hospital
Classification: Pathogenic for Intellectual disability, autosomal dominant 14. Last evaluated: 2017-10-12. Review status: criteria provided, single submitter. Criteria: ACMG Guidelines, 2015. Collection method: clinical testing. Allele origin: de novo. Affected: yes.
Comment: [ACMG/AMP: PVS1, PS2, PM2]; A de novo mosaic variant [PS2] within the ARID1A gene was detected and confirmed by sanger sequencing. This alteration occurs at the intron 9/exon 10 splice acceptor site (NM_006015.4), is predicted to impact transcript splicing [PVS1], and is absent from large-scale population databases, including gnomAD [PM2]. Loss of function variants in ARID1A including nonsense, frameshift, and splice-site alterations have been associated with disease (Clinvar; PMID: 23556151). Mosaicism has been previously documented in Coffin-Siris syndrome patients in the setting of ARID1A alteration (PMID: 23556151).

Dr. Peter K. Rogan Lab, Western University
No classification provided (evidence only). Condition: Malignant tumor of urinary bladder. Review status: no classification provided. Collection method: in vitro. Allele origin: not applicable. Functional consequence: retained intron. Not counted in ClinVar's aggregate classification.

Literature cited by the submitters: PubMed 28262751 (cited by Institute for Genomic Medicine (IGM) Clinical Laboratory, Nationwide Children's Hospital); PubMed 23556151 (cited by Institute for Genomic Medicine (IGM) Clinical Laboratory, Nationwide Children's Hospital); PubMed 25169878 (cited by Institute for Genomic Medicine (IGM) Clinical Laboratory, Nationwide Children's Hospital); PubMed 25168959 (cited by Institute for Genomic Medicine (IGM) Clinical Laboratory, Nationwide Children's Hospital); PubMed 23637025 (cited by Institute for Genomic Medicine (IGM) Clinical Laboratory, Nationwide Children's Hospital); PubMed 23010866 (cited by Institute for Genomic Medicine (IGM) Clinical Laboratory, Nationwide Children's Hospital).